The following is an entry in ClinVar:

ClinVar aggregate classification (germline): Uncertain significance (1 of 4 stars; one submission).

gnomAD v4.1: 10 of 1,614,040 alleles (0.00062%); highest among the groups gnomAD compares: Non-Finnish European, 0.00085%; no homozygotes.

Submission:

Labcorp Genetics (formerly Invitae), Labcorp
Classification: Uncertain significance. Last evaluated: 2025-09-17. Review status: criteria provided, single submitter. Criteria: Invitae Variant Classification Sherloc (09022015). Collection method: clinical testing. Allele origin: germline.
Comment: This sequence change replaces alanine, which is neutral and non-polar, with valine, which is neutral and non-polar, at codon 422 of the POC5 protein (p.Ala422Val). This variant is not present in population databases (gnomAD no frequency). This variant has not been reported in the literature in individuals affected with POC5-related conditions. An algorithm developed to predict the effect of missense changes on protein structure and function outputs the following: PolyPhen-2: "Probably Damaging". The valine amino acid residue is found in multiple mammalian species, which suggests that this missense change does not adversely affect protein function. In summary, the available evidence is currently insufficient to determine the role of this variant in disease. Therefore, it has been classified as a Variant of Uncertain Significance.

NM_001099271.2(POC5):c.1265C>T (p.Ala422Val)

Gene: POC5 (POC5 centriolar protein; minus strand). Cytogenetic location: 5q13.3.
Variant type: single nucleotide variant.
Coding change: c.1265C>T on transcript NM_001099271.2 (MANE Select); coding-DNA position 1265, C replaced by T.
Protein change: p.Ala422Val; replaces alanine 422 with valine.
Molecular consequence: missense variant.
Genome position (GRCh38, 1-based): chr5:75,685,349, G>A on the plus strand (C>T on the coding strand, the complement: POC5 is on the minus strand). VCF-style: chr5-75685349-G-A. GRCh37 (hg19) VCF-style: chr5-74981174-G-A.
Other names: c.1190C>T, p.Ala397Val (NM_152408.3); short protein forms A397V, A422V.
Identifiers: ClinVar variation 4765867 (VCV004765867.1).